The following is an entry in ClinVar:

ClinVar aggregate classification (germline): Uncertain significance (1 of 4 stars; one submission).

gnomAD v4.1: 3 of 1,613,990 alleles (0.00019%); highest among the groups gnomAD compares: Non-Finnish European, 0.00025%; no homozygotes.

Submission:

GeneDx
Classification: Uncertain significance. Last evaluated: 2026-03-16. Review status: criteria provided, single submitter. Criteria: GeneDx Variant Classification Process June 2021. Collection method: clinical testing. Allele origin: germline.
Comment: Not observed at significant frequency in large population cohorts (gnomAD); In silico analysis suggests that this missense variant does not alter protein structure/function; Has not been previously published as pathogenic or benign to our knowledge

NM_182925.5(FLT4):c.4080C>G (p.Asp1360Glu)

Gene: FLT4 (fms related receptor tyrosine kinase 4; minus strand). Cytogenetic location: 5q35.3.
Variant type: single nucleotide variant.
Coding change: c.4080C>G on transcript NM_182925.5 (MANE Select); coding-DNA position 4080, C replaced by G.
Protein change: p.Asp1360Glu; replaces aspartic acid 1360 with glutamic acid.
Molecular consequence: missense variant.
Genome position (GRCh38, 1-based): chr5:180,603,204, G>C on the plus strand (C>G on the coding strand, the complement: FLT4 is on the minus strand). VCF-style: chr5-180603204-G-C. GRCh37 (hg19) VCF-style: chr5-180030204-G-C.
Other names: short protein forms D1360E.
Identifiers: ClinVar variation 5009311 (VCV005009311.1).